The following is an entry in ClinVar:

ClinVar aggregate classification (germline): Uncertain significance (1 of 4 stars; one submission).

gnomAD v4.1: 52 of 1,613,302 alleles (0.0032%); highest among the groups gnomAD compares: Admixed American, 0.01%; no homozygotes.

Submission:

Labcorp Genetics (formerly Invitae), Labcorp
Classification: Uncertain significance. Last evaluated: 2026-01-27. Review status: criteria provided, single submitter. Criteria: Invitae Variant Classification Sherloc (09022015). Collection method: clinical testing. Allele origin: germline.
Comment: This sequence change affects codon 1267 of the MACF1 mRNA. It is a 'silent' change, meaning that it does not change the encoded amino acid sequence of the MACF1 protein. This variant is present in population databases (rs774522673, gnomAD 0.01%). This variant has not been reported in the literature in individuals affected with MACF1-related conditions. ClinVar contains an entry for this variant (Variation ID: 3709282). Algorithms developed to predict the effect of sequence changes on RNA splicing suggest that this variant may create or strengthen a splice site. In summary, the available evidence is currently insufficient to determine the role of this variant in disease. Therefore, it has been classified as a Variant of Uncertain Significance.

NM_001394062.1(MACF1):c.3786A>G (p.Gln1262=)

Gene: MACF1 (microtubule actin crosslinking factor 1; plus strand). Cytogenetic location: 1p34.3.
Variant type: single nucleotide variant.
Coding change: c.3786A>G on transcript NM_001394062.1 (MANE Select); coding-DNA position 3786, A replaced by G.
Protein change: p.Gln1262=; no amino-acid change (glutamine 1262 retained).
Molecular consequence: synonymous variant.
Genome position (GRCh38, 1-based): chr1:39,318,456, A>G. VCF-style: chr1-39318456-A-G. GRCh37 (hg19) VCF-style: chr1-39784128-A-G.
Other names: c.3801A>G, p.Gln1267= (NM_012090.5).
Identifiers: ClinVar variation 3709282 (VCV003709282.2).